The following is an entry in ClinVar:

NM_000492.4(CFTR):c.3712C>T (p.Gln1238Ter)

Genes: CFTR (CF transmembrane conductance regulator; plus strand), CFTR-AS2 (CFTR antisense RNA 2; minus strand). Cytogenetic location: 7q31.2.
Variant type: single nucleotide variant.
Coding change: c.3712C>T on transcript NM_000492.4 (MANE Select); coding-DNA position 3712, C replaced by T.
Protein change: p.Gln1238Ter; replaces glutamine 1238 with a stop codon.
Molecular consequence: nonsense.
Genome position (GRCh38, 1-based): chr7:117,627,765, C>T. VCF-style: chr7-117627765-C-T. GRCh37 (hg19) VCF-style: chr7-117267819-C-T.
Other names: short protein forms Q1238*.
Identifiers: ClinVar variation 7176 (VCV000007176.9), dbSNP rs121908766, ClinGen allele CA325566.
Genomic context (GRCh38, chr7:117,627,765, plus strand): 5'-AAATACACAGAAGGTGGAAATGCCATATTAGAGAACATTTCCTTCTCAATAAGTCCTGGC[C>T]AGAGGGTGAGATTTGAACACTGCTTGCTTTGTTAGACTGTGTTCAGTAAGTGAATCCCAG-3'

ClinVar aggregate classification (germline): Pathogenic/Likely pathogenic. Review status: criteria provided, multiple submitters, no conflicts (2 of 4 stars). 5 submissions from 5 submitters: Pathogenic (3); Likely pathogenic (1). 1 of the submissions does not count toward it. Last evaluated 2025-08-05.

Conditions:
CFTR-related disorder (CFTR-RD). Also called: CFTR-related condition; CFTR-related disorders. Identifiers: MedGen C5924204, MONDO:7770004.
Cystic fibrosis (CF). Also called: MUCOVISCIDOSIS. Identifiers: Orphanet 586, MedGen C0010674, MONDO:0009061, OMIM 219700. Disease mechanism: loss of function.

Submissions (5):

Natera, Inc.
Classification: Pathogenic for CFTR-related disorders. Last evaluated: 2025-08-05. Review status: criteria provided, single submitter. Criteria: Natera Variant Classification Schema (03/2026). Collection method: clinical testing. Allele origin: germline.
Comment: The c.3712C>T variant in CFTR is a nonsense variant predicted to introduce a stop codon at amino acid 1238. This variant is expected to result in nonsense mediated decay, truncation, or a dysfunctional protein product. This variant is rare in the general population with a frequency below the threshold expected for the associated phenotype(s). This variant has been observed in one or more individuals affected with the associated recessive disease, as either homozygous or compound heterozygous with a second variant (PMID: 7683952). Given the available evidence, this variant is classified as Pathogenic.

Labcorp Genetics (formerly Invitae), Labcorp
Classification: Pathogenic for Cystic fibrosis. Last evaluated: 2024-08-26. Review status: criteria provided, single submitter. Criteria: Invitae Variant Classification Sherloc (09022015). Collection method: clinical testing. Allele origin: germline.
Comment: This sequence change creates a premature translational stop signal (p.Gln1238*) in the CFTR gene. It is expected to result in an absent or disrupted protein product. Loss-of-function variants in CFTR are known to be pathogenic (PMID: 1695717, 7691345, 9725922). This variant is not present in population databases (gnomAD no frequency). This premature translational stop signal has been observed in individual(s) with cystic fibrosis (PMID: 7683952). This variant is also known as c.3844C>T. ClinVar contains an entry for this variant (Variation ID: 7176). Algorithms developed to predict the effect of sequence changes on RNA splicing suggest that this variant may disrupt the consensus splice site. For these reasons, this variant has been classified as Pathogenic.

Myriad Genetics, Inc.
Classification: Likely pathogenic for Cystic fibrosis. Last evaluated: 2019-11-12. Review status: criteria provided, single submitter. Criteria: Myriad Women's Health Autosomal Recessive and X-Linked Classification Criteria (2019). Collection method: clinical testing. Allele origin: unknown.
Comment: NM_000492.3(CFTR):c.3712C>T(Q1238*) is classified as likely pathogenic in the context of cystic fibrosis. Sources cited for classification include the following: PMID 11788090, 6963320, 14696845, and 14641997. Classification of NM_000492.3(CFTR):c.3712C>T(Q1238*) is based on the following criteria: The variant causes a premature termination codon that is expected to be targeted by nonsense-mediated mRNA decay and is observed in an individual with the relevant phenotype. Please note: this variant was assessed in the context of healthy population screening.â€šÃ„Ã¶âˆšÃ‘âˆšÂ£

CFTR-France
Classification: Pathogenic for cystic fibrosis. Last evaluated: 2018-01-29. Review status: criteria provided, single submitter. Criteria: Claustres M et al. (Hum Mutat 2017). Collection method: curation. Allele origin: germline. Affected: yes.

OMIM
Classification: Pathogenic for CYSTIC FIBROSIS. Last evaluated: 2018-04-09. Review status: no assertion criteria provided. Collection method: literature only. Allele origin: germline. Not counted in ClinVar's aggregate classification.

Literature cited by the submitters: PubMed 7683952 (cited by Natera, Inc. and Labcorp Genetics (formerly Invitae), Labcorp); PubMed 1695717 (cited by Labcorp Genetics (formerly Invitae), Labcorp); PubMed 7691345 (cited by Labcorp Genetics (formerly Invitae), Labcorp); PubMed 9725922 (cited by Labcorp Genetics (formerly Invitae), Labcorp); PubMed 11788090 (cited by Myriad Genetics, Inc.); PubMed 6963320 (cited by Myriad Genetics, Inc.); PubMed 14696845 (cited by Myriad Genetics, Inc.); PubMed 14641997 (cited by Myriad Genetics, Inc.); PubMed 15024729 (cited by OMIM).